The following is an entry in ClinVar:

NM_006904.7(PRKDC):c.7180A>C (p.Lys2394Gln)

Gene: PRKDC (protein kinase, DNA-activated, catalytic subunit; minus strand). Cytogenetic location: 8q11.21.
Variant type: single nucleotide variant.
Coding change: c.7180A>C on transcript NM_006904.7 (MANE Select); coding-DNA position 7180, A replaced by C.
Protein change: p.Lys2394Gln; replaces lysine 2394 with glutamine.
Molecular consequence: missense variant.
Genome position (GRCh38, 1-based): chr8:47,849,254, T>G on the plus strand (A>C on the coding strand, the complement: PRKDC is on the minus strand). VCF-style: chr8-47849254-T-G. GRCh37 (hg19) VCF-style: chr8-48761815-T-G.
Other names: c.7180A>C, p.Lys2394Gln (NM_001081640.2); short protein forms K2394Q.
Identifiers: ClinVar variation 1757540 (VCV001757540.2), dbSNP rs2551868667, ClinGen allele CA371157629.

ClinVar aggregate classification (germline): Uncertain significance (1 of 4 stars; one submission).

Submission:

Ambry Genetics
Classification: Uncertain significance. Last evaluated: 2022-03-01. Review status: criteria provided, single submitter. Criteria: Ambry Variant Classification Scheme 2023. Collection method: clinical testing. Allele origin: germline.
Comment: The p.K2394Q variant (also known as c.7180A>C), located in coding exon 54 of the PRKDC gene, results from an A to C substitution at nucleotide position 7180. The lysine at codon 2394 is replaced by glutamine, an amino acid with similar properties. This amino acid position is conserved. In addition, the in silico prediction for this alteration is inconclusive. Since supporting evidence is limited at this time, the clinical significance of this alteration remains unclear.